The following is an entry in ClinVar:

NM_006509.4(RELB):c.154+3G>A

Gene: RELB (RELB proto-oncogene, NF-kB subunit; plus strand). Cytogenetic location: 19q13.32.
Variant type: single nucleotide variant.
Coding change: c.154+3G>A on transcript NM_006509.4 (MANE Select); 3 bases into the intron after coding-DNA position 154, G replaced by A.
Molecular consequence: intron variant.
Genome position (GRCh38, 1-based): chr19:45,002,999, G>A. VCF-style: chr19-45002999-G-A. GRCh37 (hg19) VCF-style: chr19-45506257-G-A.
Identifiers: ClinVar variation 1996600 (VCV001996600.4), dbSNP rs2513629288, ClinGen allele CA2580097379.

ClinVar aggregate classification (germline): Uncertain significance (1 of 4 stars; one submission).

Submission:

Labcorp Genetics (formerly Invitae), Labcorp
Classification: Uncertain significance. Last evaluated: 2022-09-06. Review status: criteria provided, single submitter. Criteria: Invitae Variant Classification Sherloc (09022015). Collection method: clinical testing. Allele origin: germline.
Comment: This variant has not been reported in the literature in individuals affected with RELB-related conditions. This variant is not present in population databases (gnomAD no frequency). This sequence change falls in intron 2 of the RELB gene. It does not directly change the encoded amino acid sequence of the RELB protein. It affects a nucleotide within the consensus splice site. In summary, the available evidence is currently insufficient to determine the role of this variant in disease. Therefore, it has been classified as a Variant of Uncertain Significance. Variants that disrupt the consensus splice site are a relatively common cause of aberrant splicing (PMID: 17576681, 9536098). Algorithms developed to predict the effect of sequence changes on RNA splicing suggest that this variant is not likely to affect RNA splicing.

Literature cited by the submitters: PubMed 17576681; PubMed 9536098.